The following is an entry in ClinVar:

ClinVar aggregate classification (germline): Uncertain significance. Review status: criteria provided, multiple submitters, no conflicts (2 of 4 stars). 2 submissions from 2 submitters: Uncertain significance (2). Last evaluated 2021-09-13.

Conditions:
Hereditary cancer-predisposing syndrome. Also called: Neoplastic Syndromes, Hereditary; Tumor predisposition; Hereditary Cancer Syndrome; Hereditary neoplastic syndrome. Identifiers: Orphanet 140162, MedGen C0027672, MeSH D009386, MONDO:0015356.
Gastrointestinal stromal tumor. Also called: Gastrointestinal stromal tumor, somatic; Gastrointestinal stroma tumor. Identifiers: Orphanet 44890, MedGen C0238198, MeSH D046152, MONDO:0011719, OMIM 606764, HP:0100723.

Allele frequency attached by ClinVar (database versions not stated): gnomAD exomes below 0.00001; ExAC 0.00001.
gnomAD v4.1: 2 of 1,614,124 alleles (0.00012%); highest among the groups gnomAD compares: South Asian, 0.0011%; no homozygotes.

Submissions (2):

Ambry Genetics
Classification: Uncertain significance for Hereditary cancer-predisposing syndrome. Last evaluated: 2021-09-13. Review status: criteria provided, single submitter. Criteria: Ambry Variant Classification Scheme 2023. Collection method: clinical testing. Allele origin: germline.
Comment: The p.V82M variant (also known as c.244G>A), located in coding exon 2 of the PDGFRA gene, results from a G to A substitution at nucleotide position 244. The valine at codon 82 is replaced by methionine, an amino acid with highly similar properties. This amino acid position is conserved. In addition, this alteration is predicted to be tolerated by in silico analysis. Since supporting evidence is limited at this time, the clinical significance of this alteration remains unclear.

Labcorp Genetics (formerly Invitae), Labcorp
Classification: Uncertain significance for Gastrointestinal stromal tumor. Last evaluated: 2018-11-21. Review status: criteria provided, single submitter. Criteria: Invitae Variant Classification Sherloc (09022015). Collection method: clinical testing. Allele origin: germline.
Comment: In summary, the available evidence is currently insufficient to determine the role of this variant in disease. Therefore, it has been classified as a Variant of Uncertain Significance. Algorithms developed to predict the effect of missense changes on protein structure and function (SIFT, PolyPhen-2, Align-GVGD) all suggest that this variant is likely to be tolerated, but these predictions have not been confirmed by published functional studies and their clinical significance is uncertain. This variant has not been reported in the literature in individuals with PDGFRA-related disease. This variant is present in population databases (rs768193197, ExAC 0.006%). This sequence change replaces valine with methionine at codon 82 of the PDGFRA protein (p.Val82Met). The valine residue is moderately conserved and there is a small physicochemical difference between valine and methionine.

NM_006206.6(PDGFRA):c.244G>A (p.Val82Met)

Gene: PDGFRA (platelet derived growth factor receptor alpha; plus strand). Cytogenetic location: 4q12.
Variant type: single nucleotide variant.
Coding change: c.244G>A on transcript NM_006206.6 (MANE Select); coding-DNA position 244, G replaced by A.
Protein change: p.Val82Met; replaces valine 82 with methionine.
Molecular consequence: missense variant.
Genome position (GRCh38, 1-based): chr4:54,261,289, G>A. VCF-style: chr4-54261289-G-A. GRCh37 (hg19) VCF-style: chr4-55127456-G-A.
Other names: c.244G>A, p.Val82Met (NM_001347827.2, NM_001347829.2); c.319G>A, p.Val107Met (NM_001347828.2); c.283G>A, p.Val95Met (NM_001347830.2); short protein forms V82M, V107M, V95M.
Identifiers: ClinVar variation 655690 (VCV000655690.11), dbSNP rs768193197, ClinGen allele CA2922250.